The following is an entry in ClinVar:

NM_001130987.2(DYSF):c.3538C>T (p.Arg1180Trp)

Gene: DYSF (dysferlin; plus strand). Cytogenetic location: 2p13.2.
Variant type: single nucleotide variant.
Coding change: c.3538C>T on transcript NM_001130987.2 (MANE Select); coding-DNA position 3538, C replaced by T.
Protein change: p.Arg1180Trp; replaces arginine 1180 with tryptophan.
Molecular consequence: missense variant.
Genome position (GRCh38, 1-based): chr2:71,590,252, C>T. VCF-style: chr2-71590252-C-T. GRCh37 (hg19) VCF-style: chr2-71817382-C-T.
Other names: c.3487C>T, p.Arg1163Trp (NM_001130455.2, NM_001130983.2); c.3442C>T, p.Arg1148Trp (NM_001130976.2, NM_001130977.2); c.3484C>T, p.Arg1162Trp (NM_001130978.2, NM_003494.4); c.3577C>T, p.Arg1193Trp (NM_001130979.2); c.3535C>T, p.Arg1179Trp (NM_001130980.2, NM_001130981.2); c.3580C>T, p.Arg1194Trp (NM_001130982.2); c.3445C>T, p.Arg1149Trp (NM_001130984.2, NM_001130986.2); c.3538C>T, p.Arg1180Trp (NM_001130985.2); short protein forms R1162W, R1180W, R1194W, R1149W, R1163W, R1179W, R1148W, R1193W.
Identifiers: ClinVar variation 538637 (VCV000538637.11), dbSNP rs759297236, ClinGen allele CA1706619.

ClinVar aggregate classification (germline): Uncertain significance. Review status: criteria provided, multiple submitters, no conflicts (2 of 4 stars). 4 submissions from 4 submitters: Uncertain significance (3). 1 of the submissions does not count toward it. Last evaluated 2025-08-26.

Conditions:
Neuromuscular disease caused by qualitative or quantitative defects of dysferlin. Also called: Dysferlinopathy; Qualitative or quantitative defects of dysferlin. Identifiers: Orphanet 207073, MedGen C2931687, MONDO:0016145.
Autosomal recessive limb-girdle muscular dystrophy type 2B (LGMDR2). Also called: Limb-girdle muscular dystrophy, type 2B; MUSCULAR DYSTROPHY, LIMB-GIRDLE, TYPE 3; Limb-Girdle Muscular Dystrophy Type 2B (LGMD2B); MUSCULAR DYSTROPHY, LIMB-GIRDLE, AUTOSOMAL RECESSIVE 2. Identifiers: Orphanet 268, MedGen C1850889, MONDO:0009676, OMIM 253601.
Inborn genetic diseases. Identifiers: MedGen C0950123, MeSH D030342.

Allele frequency attached by ClinVar (database versions not stated): gnomAD 0.00004; TOPMed 0.00004; ExAC 0.00005; gnomAD exomes 0.00008.
gnomAD v4.1: 59 of 1,613,974 alleles (0.0037%); highest among the groups gnomAD compares: Middle Eastern, 0.016%; no homozygotes.

Submissions (4):

Ambry Genetics
Classification: Uncertain significance for Inborn genetic diseases. Last evaluated: 2025-08-26. Review status: criteria provided, single submitter. Criteria: Ambry Variant Classification Scheme 2023. Collection method: clinical testing. Allele origin: germline.

Labcorp Genetics (formerly Invitae), Labcorp
Classification: Uncertain significance for Neuromuscular disease caused by qualitative or quantitative defects of dysferlin. Last evaluated: 2024-04-16. Review status: criteria provided, single submitter. Criteria: Invitae Variant Classification Sherloc (09022015). Collection method: clinical testing. Allele origin: germline.
Comment: This sequence change replaces arginine, which is basic and polar, with tryptophan, which is neutral and slightly polar, at codon 1162 of the DYSF protein (p.Arg1162Trp). This variant is present in population databases (rs759297236, gnomAD 0.02%). This variant has not been reported in the literature in individuals affected with DYSF-related conditions. ClinVar contains an entry for this variant (Variation ID: 538637). Advanced modeling of protein sequence and biophysical properties (such as structural, functional, and spatial information, amino acid conservation, physicochemical variation, residue mobility, and thermodynamic stability) performed at Invitae indicates that this missense variant is expected to disrupt DYSF protein function with a positive predictive value of 95%. In summary, the available evidence is currently insufficient to determine the role of this variant in disease. Therefore, it has been classified as a Variant of Uncertain Significance.

Eurofins Ntd Llc (ga)
Classification: Uncertain significance. Last evaluated: 2017-07-12. Review status: criteria provided, single submitter. Criteria: EGL Classification Definitions 2015. Collection method: clinical testing. Allele origin: germline. Observed: 1 variant allele, 1 heterozygote.

Natera, Inc.
Classification: Uncertain significance for Limb-girdle muscular dystrophy type 2B. Last evaluated: 2020-09-16. Review status: no assertion criteria provided. Collection method: clinical testing. Allele origin: germline. Not counted in ClinVar's aggregate classification.